The following is an entry in ClinVar:

NM_002184.4(IL6ST):c.2702T>G (p.Met901Arg)

Gene: IL6ST (interleukin 6 cytokine family signal transducer; minus strand). Cytogenetic location: 5q11.2.
Variant type: single nucleotide variant.
Coding change: c.2702T>G on transcript NM_002184.4 (MANE Select); coding-DNA position 2702, T replaced by G.
Protein change: p.Met901Arg; replaces methionine 901 with arginine.
Molecular consequence: missense variant. On other transcripts: 3 prime UTR variant (1), non-coding transcript variant (2).
Genome position (GRCh38, 1-based): chr5:55,941,137, A>C on the plus strand (T>G on the coding strand, the complement: IL6ST is on the minus strand). VCF-style: chr5-55941137-A-C. GRCh37 (hg19) VCF-style: chr5-55236965-A-C.
Other names: c.2519T>G, p.Met840Arg (NM_001190981.2); c.2600T>G, p.Met867Arg (NM_001364275.2); c.2492T>G, p.Met831Arg (NM_001364276.2); c.1835T>G, p.Met612Arg (NM_001364277.2); c.1799T>G, p.Met600Arg (NM_001364278.2); c.1706T>G, p.Met569Arg (NM_001364279.2); c.*1629T>G (NM_175767.3); short protein forms M569R, M600R, M612R, M831R, M840R, M867R, M901R.
Identifiers: ClinVar variation 2744767 (VCV002744767.3), dbSNP rs191125510, ClinGen allele CA359777439.

ClinVar aggregate classification (germline): Uncertain significance (1 of 4 stars; one submission).

Submission:

Labcorp Genetics (formerly Invitae), Labcorp
Classification: Uncertain significance. Last evaluated: 2023-07-18. Review status: criteria provided, single submitter. Criteria: Invitae Variant Classification Sherloc (09022015). Collection method: clinical testing. Allele origin: germline.
Comment: This sequence change replaces methionine, which is neutral and non-polar, with arginine, which is basic and polar, at codon 901 of the IL6ST protein (p.Met901Arg). This variant is not present in population databases (gnomAD no frequency). This variant has not been reported in the literature in individuals affected with IL6ST-related conditions. An algorithm developed to predict the effect of missense changes on protein structure and function (PolyPhen-2) suggests that this variant is likely to be tolerated. In summary, the available evidence is currently insufficient to determine the role of this variant in disease. Therefore, it has been classified as a Variant of Uncertain Significance.